The following is an entry in ClinVar:

ClinVar aggregate classification (germline): Benign. Review status: criteria provided, multiple submitters, no conflicts (2 of 4 stars). 3 submissions from 3 submitters: Benign (2). 1 of the submissions does not count toward it. Last evaluated 2019-12-31.

Conditions:
SMAD7-related disorder. Also called: SMAD7-related condition.

Allele frequency attached by ClinVar (database versions not stated): 1000 Genomes Project 30x 0.00547; TOPMed 0.00305; ESP Exome Variant Server 0.00085; 1000 Genomes Project 0.00619.
gnomAD v4.1: 3,096 of 1,595,350 alleles (0.19%); highest among the groups gnomAD compares: East Asian, 4%; 43 homozygotes.

Submissions (3):

Labcorp Genetics (formerly Invitae), Labcorp
Classification: Benign. Last evaluated: 2019-12-31. Review status: criteria provided, single submitter. Criteria: Invitae Variant Classification Sherloc (09022015). Collection method: clinical testing. Allele origin: germline.

Breakthrough Genomics
Classification: Benign. Review status: criteria provided, single submitter. Criteria: ACMG Guidelines, 2015. Collection method: not provided. Allele origin: germline. Inheritance: Unknown mechanism. Affected: yes.

PreventionGenetics, part of Exact Sciences
Classification: Benign for SMAD7-related condition. Last evaluated: 2019-05-22. Review status: no assertion criteria provided. Collection method: clinical testing. Allele origin: germline. Not counted in ClinVar's aggregate classification.
Comment: This variant is classified as benign based on ACMG/AMP sequence variant interpretation guidelines (Richards et al. 2015 PMID: 25741868, with internal and published modifications).

NM_005904.4(SMAD7):c.624C>A (p.Pro208=)

Gene: SMAD7 (SMAD family member 7; minus strand). Cytogenetic location: 18q21.1.
Variant type: single nucleotide variant.
Coding change: c.624C>A on transcript NM_005904.4 (MANE Select); coding-DNA position 624, C replaced by A.
Protein change: p.Pro208=; no amino-acid change (proline 208 retained).
Molecular consequence: synonymous variant. On other transcripts: 5 prime UTR variant (1).
Genome position (GRCh38, 1-based): chr18:48,948,427, G>T on the plus strand (C>A on the coding strand, the complement: SMAD7 is on the minus strand). VCF-style: chr18-48948427-G-T. GRCh37 (hg19) VCF-style: chr18-46474797-G-T.
Other names: c.624C>A, p.Pro208= (NM_001190821.2); c.-22C>A (NM_001190822.2).
Identifiers: ClinVar variation 713314 (VCV000713314.7), dbSNP rs145686330, ClinGen allele CA8957773.
Genomic context (GRCh38, chr18:48,948,427, plus strand): 5'-AAAAATCATCTACTCACCAGTTGGTTTGAGAAAATCCATCGGGTATCTGGAGTAAGGAGG[G>T]GGGGGAGACTCTGAAATTAAAAAAGCAAGAGAAAATAAAGGCCCAGCCATGAGAAGAGAG-3'
Protein context (NP_005895.1, residues 198-218): LSRLCELESP[Pro208=]PPYSRYPMDF